The following is an entry in ClinVar:

NM_024876.4(COQ8B):c.-35G>A

Gene: COQ8B (coenzyme Q8B; minus strand). Cytogenetic location: 19q13.2.
Variant type: single nucleotide variant.
Coding change: c.-35G>A on transcript NM_024876.4 (MANE Select); 35 bases upstream of the start codon, G replaced by A.
Molecular consequence: 5 prime UTR variant.
Genome position (GRCh38, 1-based): chr19:40,716,618, C>T on the plus strand (G>A on the coding strand, the complement: COQ8B is on the minus strand). VCF-style: chr19-40716618-C-T. GRCh37 (hg19) VCF-style: chr19-41222523-C-T.
Identifiers: ClinVar variation 680431 (VCV000680431.1), dbSNP rs568493683, ClinGen allele CA308452325.

ClinVar aggregate classification (germline): Likely benign (1 of 4 stars; one submission).

Allele frequency attached by ClinVar (database versions not stated): gnomAD 0.00001 and 0.00004; TOPMed 0.00001; 1000 Genomes Project 0.00060; 1000 Genomes Project 30x 0.00078.

Submission:

GeneDx
Classification: Likely benign. Last evaluated: 2018-03-28. Review status: criteria provided, single submitter. Criteria: GeneDx Variant Classification (06012015). Collection method: clinical testing. Allele origin: germline. Affected: yes.
Comment: This variant is considered likely benign or benign based on one or more of the following criteria: it is a conservative change, it occurs at a poorly conserved position in the protein, it is predicted to be benign by multiple in silico algorithms, and/or has population frequency not consistent with disease.